The following is an entry in ClinVar:

NM_004360.5(CDH1):c.1342dup (p.Gln448fs)

Gene: CDH1 (cadherin 1; plus strand). Cytogenetic location: 16q22.1.
Variant type: Duplication.
Coding change: c.1342dup on transcript NM_004360.5 (MANE Select); coding-DNA position 1342, one base duplicated (C; older notation c.1342dupC).
Protein change: p.Gln448fs; shifts the reading frame from glutamine 448.
Molecular consequence: frameshift variant. On other transcripts: 5 prime UTR variant (2).
Genome position (GRCh38, 1-based): chr16:68,815,536, C duplicated. VCF-style (leftmost placement, unchanged base first): chr16-68815535-G-GC. GRCh37 (hg19) VCF-style: chr16-68849438-G-GC.
Other names: c.1159dup, p.Gln387fs (NM_001317184.2); c.-207dup (NM_001317185.2); c.-478dup (NM_001317186.2); c.1342dupC (NM_004360.3); short protein forms Q448fs, Q387fs.
Identifiers: ClinVar variation 850310 (VCV000850310.9), dbSNP rs1960958360, ClinGen allele CA916081826.

ClinVar aggregate classification (germline): Pathogenic. Review status: criteria provided, multiple submitters, no conflicts (2 of 4 stars). 2 submissions from 2 submitters: Pathogenic (2). Last evaluated 2026-01-27.

Conditions:
Hereditary diffuse gastric adenocarcinoma (HDGC). Also called: DIFFUSE GASTRIC AND LOBULAR BREAST CANCER SYNDROME. Identifiers: Orphanet 26106, MedGen C1708349, MONDO:0007648, OMIM 137215.
Hereditary cancer-predisposing syndrome. Also called: Hereditary Cancer Syndrome; Tumor predisposition; Neoplastic Syndromes, Hereditary; Hereditary neoplastic syndrome. Identifiers: Orphanet 140162, MedGen C0027672, MeSH D009386, MONDO:0015356.

Submissions (2):

Ambry Genetics
Classification: Pathogenic for Hereditary cancer-predisposing syndrome. Last evaluated: 2026-01-27. Review status: criteria provided, single submitter. Criteria: Ambry Variant Classification Scheme 2023. Collection method: clinical testing. Allele origin: germline.
Comment: The c.1342dupC pathogenic mutation, located in coding exon 10 of the CDH1 gene, results from a duplication of C at nucleotide position 1342, causing a translational frameshift with a predicted alternate stop codon (p.Q448Pfs*16). This variant is considered to be rare based on population cohorts in the Genome Aggregation Database (gnomAD). This variant is expected to result in loss of function by premature protein truncation or nonsense-mediated mRNA decay. As such, this variant is interpreted as a disease-causing mutation.

Labcorp Genetics (formerly Invitae), Labcorp
Classification: Pathogenic for Hereditary diffuse gastric adenocarcinoma. Last evaluated: 2019-11-17. Review status: criteria provided, single submitter. Criteria: Invitae Variant Classification Sherloc (09022015). Collection method: clinical testing. Allele origin: germline.
Comment: For these reasons, this variant has been classified as Pathogenic. Loss-of-function variants in CDH1 are known to be pathogenic (PMID: 15235021, 20373070). This variant has not been reported in the literature in individuals with CDH1-related conditions. This variant is not present in population databases (ExAC no frequency). This sequence change creates a premature translational stop signal (p.Gln448Profs*16) in the CDH1 gene. It is expected to result in an absent or disrupted protein product.

Literature cited by the submitters: PubMed 15235021 (cited by Labcorp Genetics (formerly Invitae), Labcorp); PubMed 20373070 (cited by Labcorp Genetics (formerly Invitae), Labcorp).